The following is an entry in ClinVar:

ClinVar aggregate classification (germline): Uncertain significance. Review status: criteria provided, multiple submitters, no conflicts (2 of 4 stars). 2 submissions from 2 submitters: Uncertain significance (2). Last evaluated 2024-11-21.

Conditions:
Hereditary breast ovarian cancer syndrome. Also called: Hereditary breast and ovarian cancer syndrome (HBOC); Hereditary breast and ovarian cancer syndrome; Breast and ovarian cancer; BRCA1- and BRCA2-Associated Hereditary Breast and Ovarian Cancer; Hereditary breast and ovarian cancer; Hereditary breast and/or ovarian cancer syndrome. Identifiers: Orphanet 145, MedGen C0677776, MeSH D061325, MONDO:0003582. Disease mechanism: loss of function.
Hereditary cancer-predisposing syndrome. Also called: Neoplastic Syndromes, Hereditary; Hereditary Cancer Syndrome; Tumor predisposition; Hereditary neoplastic syndrome. Identifiers: Orphanet 140162, MedGen C0027672, MeSH D009386, MONDO:0015356.

Submissions (2):

Ambry Genetics
Classification: Uncertain significance for Hereditary cancer-predisposing syndrome. Last evaluated: 2024-11-21. Review status: criteria provided, single submitter. Criteria: Ambry Variant Classification Scheme 2023. Collection method: clinical testing. Allele origin: germline.
Comment: The p.H2323R variant (also known as c.6968A>G), located in coding exon 12 of the BRCA2 gene, results from an A to G substitution at nucleotide position 6968. The histidine at codon 2323 is replaced by arginine, an amino acid with highly similar properties. This variant was identified in an individual diagnosed with breast cancer (Bakos B et al. BMC Cancer, 2021 Jun;21:706). This amino acid position is well conserved in available vertebrate species. In addition, the in silico prediction for this alteration is inconclusive. Based on the available evidence, the clinical significance of this variant remains unclear.

Labcorp Genetics (formerly Invitae), Labcorp
Classification: Uncertain significance for Hereditary breast ovarian cancer syndrome. Last evaluated: 2023-10-05. Review status: criteria provided, single submitter. Criteria: Invitae Variant Classification Sherloc (09022015). Collection method: clinical testing. Allele origin: germline.
Comment: This sequence change replaces histidine, which is basic and polar, with arginine, which is basic and polar, at codon 2323 of the BRCA2 protein (p.His2323Arg). This variant is not present in population databases (gnomAD no frequency). This variant has not been reported in the literature in individuals affected with BRCA2-related conditions. Advanced modeling of protein sequence and biophysical properties (such as structural, functional, and spatial information, amino acid conservation, physicochemical variation, residue mobility, and thermodynamic stability) performed at Invitae indicates that this missense variant is not expected to disrupt BRCA2 protein function. In summary, the available evidence is currently insufficient to determine the role of this variant in disease. Therefore, it has been classified as a Variant of Uncertain Significance.

Literature cited by the submitters: PubMed 34130653 (cited by Ambry Genetics).

NM_000059.4(BRCA2):c.6968A>G (p.His2323Arg)

Gene: BRCA2 (BRCA2 DNA repair associated; plus strand). Cytogenetic location: 13q13.1.
Variant type: single nucleotide variant.
Coding change: c.6968A>G on transcript NM_000059.4 (MANE Select); coding-DNA position 6968, A replaced by G.
Protein change: p.His2323Arg; replaces histidine 2323 with arginine.
Molecular consequence: missense variant. On other transcripts: non-coding transcript variant (1).
Genome position (GRCh38, 1-based): chr13:32,346,857, A>G. VCF-style: chr13-32346857-A-G. GRCh37 (hg19) VCF-style: chr13-32920994-A-G.
Other names: c.6872A>G, p.His2291Arg (NM_001406719.1); c.6968A>G, p.His2323Arg (NM_001406720.1); c.2036A>G, p.His679Arg (NM_001406721.1); c.551A>G, p.His184Arg (NM_001406722.1); short protein forms H2323R, H2291R, H184R, H679R.
Identifiers: ClinVar variation 2849314 (VCV002849314.4), dbSNP rs2137541507, ClinGen allele CA387793041.
Genomic context (GRCh38, chr13:32,346,857, plus strand): 5'-AATATGTAATATAAAATAATTGTTTCCTAGGCACAATAAAAGATCGAAGATTGTTTATGC[A>G]TCATGTTTCTTTAGAGCCGATTACCTGTGTACCCTTTCGGTAAGACATGTTTAAATTTTT-3'
Protein context (NP_000050.3, residues 2313-2333): GTIKDRRLFM[His2323Arg]HVSLEPITCV